The following is an entry in ClinVar:

ClinVar aggregate classification (germline): Uncertain significance. Review status: criteria provided, multiple submitters, no conflicts (2 of 4 stars). 3 submissions from 3 submitters: Uncertain significance (3). Last evaluated 2024-02-25.

Conditions:
Hereditary cancer-predisposing syndrome. Also called: Neoplastic Syndromes, Hereditary; Hereditary Cancer Syndrome; Hereditary neoplastic syndrome; Tumor predisposition. Identifiers: Orphanet 140162, MedGen C0027672, MeSH D009386, MONDO:0015356.
Aplastic anemia. Identifiers: Orphanet 182040, Orphanet 88, MedGen C0002874, MONDO:0015909, OMIM 609135, HP:0001915.
Microcephaly, normal intelligence and immunodeficiency (NBS). Also called: Nijmegen breakage syndrome; Microcephaly with normal intelligence immunodeficiency and lymphoreticular malignancies; Nonsyndromal microcephaly autosomal recessive with normal intelligence; Seemanova syndrome 2; Ataxia telangiectasia variant V1; BERLIN BREAKAGE SYNDROME. Identifiers: Orphanet 647, MedGen C0398791, MONDO:0009623, OMIM 251260.

gnomAD v4.1: 1 of 1,613,174 alleles (0.000062%); highest among the groups gnomAD compares: South Asian, 0.0011%; no homozygotes.

Submissions (3):

Baylor Genetics
Classification: Uncertain significance for Aplastic anemia. Last evaluated: 2024-02-25. Review status: criteria provided, single submitter. Criteria: ACMG Guidelines, 2015. Collection method: clinical testing. Allele origin: unknown.

Labcorp Genetics (formerly Invitae), Labcorp
Classification: Uncertain significance for Microcephaly, normal intelligence and immunodeficiency. Last evaluated: 2022-03-15. Review status: criteria provided, single submitter. Criteria: Invitae Variant Classification Sherloc (09022015). Collection method: clinical testing. Allele origin: germline.
Comment: ClinVar contains an entry for this variant (Variation ID: 826323). This variant has not been reported in the literature in individuals affected with NBN-related conditions. This variant is not present in population databases (gnomAD no frequency). This sequence change replaces aspartic acid, which is acidic and polar, with histidine, which is basic and polar, at codon 211 of the NBN protein (p.Asp211His). In summary, the available evidence is currently insufficient to determine the role of this variant in disease. Therefore, it has been classified as a Variant of Uncertain Significance. Algorithms developed to predict the effect of missense changes on protein structure and function are either unavailable or do not agree on the potential impact of this missense change (SIFT: "Deleterious"; PolyPhen-2: "Probably Damaging"; Align-GVGD: "Class C0").

Ambry Genetics
Classification: Uncertain significance for Hereditary cancer-predisposing syndrome. Last evaluated: 2019-09-11. Review status: criteria provided, single submitter. Criteria: Ambry Variant Classification Scheme 2023. Collection method: clinical testing. Allele origin: germline.
Comment: The p.D211H variant (also known as c.631G>C), located in coding exon 6 of the NBN gene, results from a G to C substitution at nucleotide position 631. The aspartic acid at codon 211 is replaced by histidine, an amino acid with similar properties. This amino acid position is highly conserved in available vertebrate species. In addition, this alteration is predicted to be deleterious by in silico analysis. Since supporting evidence is limited at this time, the clinical significance of this alteration remains unclear.

NM_002485.5(NBN):c.631G>C (p.Asp211His)

Gene: NBN (nibrin; minus strand). Cytogenetic location: 8q21.3.
Variant type: single nucleotide variant.
Coding change: c.631G>C on transcript NM_002485.5 (MANE Select); coding-DNA position 631, G replaced by C.
Protein change: p.Asp211His; replaces aspartic acid 211 with histidine.
Molecular consequence: missense variant.
Genome position (GRCh38, 1-based): chr8:89,971,244, C>G on the plus strand (G>C on the coding strand, the complement: NBN is on the minus strand). VCF-style: chr8-89971244-C-G. GRCh37 (hg19) VCF-style: chr8-90983472-C-G.
Other names: c.385G>C, p.Asp129His (NM_001024688.3); short protein forms D129H, D211H.
Identifiers: ClinVar variation 826323 (VCV000826323.13), dbSNP rs752104183, ClinGen allele CA371659194.